The following is an entry in ClinVar:

ClinVar aggregate classification (germline): Uncertain significance (1 of 4 stars; one submission).

gnomAD v4.1: 4 of 1,607,288 alleles (0.00025%); highest among the groups gnomAD compares: Admixed American, 0.0017%; no homozygotes.

Submission:

Labcorp Genetics (formerly Invitae), Labcorp
Classification: Uncertain significance. Last evaluated: 2022-06-15. Review status: criteria provided, single submitter. Criteria: Invitae Variant Classification Sherloc (09022015). Collection method: clinical testing. Allele origin: germline.
Comment: Algorithms developed to predict the effect of missense changes on protein structure and function are either unavailable or do not agree on the potential impact of this missense change (SIFT: "Deleterious"; PolyPhen-2: "Probably Damaging"; Align-GVGD: "Class C15"). In summary, the available evidence is currently insufficient to determine the role of this variant in disease. Therefore, it has been classified as a Variant of Uncertain Significance. This sequence change replaces serine, which is neutral and polar, with phenylalanine, which is neutral and non-polar, at codon 330 of the CLIC5 protein (p.Ser330Phe). This variant is present in population databases (rs764132378, gnomAD 0.003%). This variant has not been reported in the literature in individuals affected with CLIC5-related conditions.

NM_016929.5(CLIC5):c.512C>T (p.Ser171Phe)

Gene: CLIC5 (chloride intracellular channel 5; minus strand). Cytogenetic location: 6p21.1.
Variant type: single nucleotide variant.
Coding change: c.512C>T on transcript NM_016929.5 (MANE Select); coding-DNA position 512, C replaced by T.
Protein change: p.Ser171Phe; replaces serine 171 with phenylalanine.
Molecular consequence: missense variant. On other transcripts: non-coding transcript variant (3).
Genome position (GRCh38, 1-based): chr6:45,914,304, G>A on the plus strand (C>T on the coding strand, the complement: CLIC5 is on the minus strand). VCF-style: chr6-45914304-G-A. GRCh37 (hg19) VCF-style: chr6-45882041-G-A.
Other names: c.989C>T, p.Ser330Phe (NM_001114086.2, NM_001370650.1); c.512C>T, p.Ser171Phe (NM_001256023.2); c.395C>T, p.Ser132Phe (NM_001370649.1); short protein forms S171F, S132F, S330F.
Identifiers: ClinVar variation 2030442 (VCV002030442.4), dbSNP rs764132378, ClinGen allele CA3836753.